The following is an entry in ClinVar:

ClinVar aggregate classification (germline): Likely benign (1 of 4 stars; one submission).

Conditions:
PCSK1-related disorder. Also called: PCSK1-related condition.

gnomAD v4.1: 5 of 1,611,532 alleles (0.00031%); highest among the groups gnomAD compares: Admixed American, 0.0083%; no homozygotes.

Submission:

PreventionGenetics, part of Exact Sciences
Classification: Likely benign for PCSK1-related condition. Last evaluated: 2025-10-09. Review status: criteria provided, single submitter. Criteria: ACMG Guidelines, 2015. Collection method: clinical testing. Allele origin: germline.
Comment: This variant is classified as likely benign based on ACMG/AMP sequence variant interpretation guidelines (Richards et al. 2015 PMID: 25741868, with internal and published modifications).

NM_000439.5(PCSK1):c.1674A>G (p.Thr558=)

Genes: CAST (calpastatin; plus strand), PCSK1 (proprotein convertase subtilisin/kexin type 1; minus strand), LOC101929710 (uncharacterized LOC101929710; plus strand). Cytogenetic location: 5q15.
Variant type: single nucleotide variant.
Coding change: c.1674A>G on transcript NM_000439.5 (MANE Select); coding-DNA position 1674, A replaced by G.
Protein change: p.Thr558=; no amino-acid change (threonine 558 retained).
Molecular consequence: synonymous variant. On other transcripts: intron variant (11).
Genome position (GRCh38, 1-based): chr5:96,397,384, T>C on the plus strand (A>G on the coding strand, the complement: PCSK1 is on the minus strand). VCF-style: chr5-96397384-T-C. GRCh37 (hg19) VCF-style: chr5-95733088-T-C.
Other names: c.1533A>G, p.Thr511= (NM_001177875.2); c.-175+17732T>C (NM_001423254.1, NM_001423259.1, NM_001423255.1 and 6 more transcripts); c.-103+17732T>C (NM_001423253.1); c.-40+17732T>C (NM_001423258.1).
Identifiers: ClinVar variation 4985206 (VCV004985206.1).